The following is an entry in ClinVar:

ClinVar aggregate classification (germline): Uncertain significance. Review status: criteria provided, multiple submitters, no conflicts (2 of 4 stars). 2 submissions from 2 submitters: Uncertain significance (2). Last evaluated 2025-03-10.

Conditions:
Marfan syndrome (MFS). Also called: MARFAN SYNDROME, TYPE I; Marfan syndrome type 1; Marfan's syndrome; FBN1-Related Marfan Syndrome; Marfan syndrome, classic. Identifiers: Orphanet 284963, Orphanet 558, MedGen C0024796, MONDO:0007947, OMIM 154700.

gnomAD v4.1: 3 of 1,599,630 alleles (0.00019%); highest among the groups gnomAD compares: South Asian, 0.0011%; no homozygotes.

Submissions (2):

GeneDx
Classification: Uncertain significance. Last evaluated: 2025-03-10. Review status: criteria provided, single submitter. Criteria: GeneDx Variant Classification Process June 2021. Collection method: clinical testing. Allele origin: germline. Affected: yes.
Comment: Not observed at significant frequency in large population cohorts (gnomAD); In silico analysis supports that this missense variant has a deleterious effect on protein structure/function; Has not been previously published as pathogenic or benign to our knowledge; This variant is associated with the following publications: (PMID: 12938084)

All of Us Research Program, National Institutes of Health
Classification: Uncertain significance for Marfan syndrome. Last evaluated: 2024-05-14. Review status: criteria provided, single submitter. Criteria: ACMG Guidelines, 2015. Collection method: clinical testing. Allele origin: germline. Inheritance: Autosomal dominant inheritance. Observed: 1 variant allele, 1 heterozygote.
Comment: This missense variant replaces isoleucine with threonine at codon 911 of the FBN1 protein. Computational prediction tools indicate that this variant's impact on protein structure and function is inconclusive. To our knowledge, functional studies have not been reported for this variant. This variant has not been reported in individuals affected with FBN1-related disorders in the literature. This variant has been identified in 1/250288 chromosomes in the general population by the Genome Aggregation Database (gnomAD). The available evidence is insufficient to determine the role of this variant in disease conclusively. Therefore, this variant is classified as a Variant of Uncertain Significance.

This study involves interpretation of variants in research participants for the purpose of population health screening. Participant phenotype was not available at the time of variant classification. Additional details can be found in publication PMID: 35346344, PMCID: PMC8962531

NM_000138.5(FBN1):c.2732T>C (p.Ile911Thr)

Gene: FBN1 (fibrillin 1; minus strand). Cytogenetic location: 15q21.1.
Variant type: single nucleotide variant.
Coding change: c.2732T>C on transcript NM_000138.5 (MANE Select); coding-DNA position 2732, T replaced by C.
Protein change: p.Ile911Thr; replaces isoleucine 911 with threonine.
Molecular consequence: missense variant.
Genome position (GRCh38, 1-based): chr15:48,492,583, A>G on the plus strand (T>C on the coding strand, the complement: FBN1 is on the minus strand). VCF-style: chr15-48492583-A-G. GRCh37 (hg19) VCF-style: chr15-48784780-A-G.
Other names: c.2732T>C, p.Ile911Thr (NM_001406716.1); short protein forms I911T.
Identifiers: ClinVar variation 3386832 (VCV003386832.2).
Genomic context (GRCh38, chr15:48,492,583, plus strand): 5'-CCCCTAGTGTTAACACACAGGCCATTTTTACACACTCCTGGGAACACTTCACATTCATCT[A>G]TATCTAAAAAGAAAAAAAAAGTATAAAGTTAATATATCTTTATAATATCATTCTACCTTA-3'
Protein context (NP_000129.3, residues 901-921): SRIKGTQCED[Ile911Thr]DECEVFPGVC